The following is an entry in ClinVar:

ClinVar aggregate classification (germline): Benign (0 of 4 stars; one submission).

Conditions:
CUL9-related disorder. Also called: CUL9-related condition.

Allele frequency attached by ClinVar (database versions not stated): 1000 Genomes Project 0.00859; 1000 Genomes Project 30x 0.00874; TOPMed 0.01712; gnomAD 0.02033; ExAC 0.02075; ESP Exome Variant Server 0.02207; gnomAD exomes 0.02568.
gnomAD v4.1: 40,444 of 1,614,188 alleles (2.5%); highest among the groups gnomAD compares: Non-Finnish European, 3%; 716 homozygotes.

Submission:

PreventionGenetics, part of Exact Sciences
Classification: Benign for CUL9-related condition. Last evaluated: 2019-07-17. Review status: no assertion criteria provided. Collection method: clinical testing. Allele origin: germline.
Comment: This variant is classified as benign based on ACMG/AMP sequence variant interpretation guidelines (Richards et al. 2015 PMID: 25741868, with internal and published modifications).

NM_015089.4(CUL9):c.5778C>T (p.Val1926=)

Gene: CUL9 (cullin 9; plus strand). Cytogenetic location: 6p21.1.
Variant type: single nucleotide variant.
Coding change: c.5778C>T on transcript NM_015089.4 (MANE Select); coding-DNA position 5778, C replaced by T.
Protein change: p.Val1926=; no amino-acid change (valine 1926 retained).
Molecular consequence: synonymous variant.
Genome position (GRCh38, 1-based): chr6:43,215,168, C>T. VCF-style: chr6-43215168-C-T. GRCh37 (hg19) VCF-style: chr6-43182906-C-T.
Identifiers: ClinVar variation 3060432 (VCV003060432.2), dbSNP rs76552409, ClinGen allele CA3818484.
Genomic context (GRCh38, chr6:43,215,168, plus strand): 5'-TCCTCCTGGAACCCTGGGCCACACTGTTGCTGGGGGTGTGGCCTGTACCAGTACAGATGT[C>T]CTCTCTTGCATCCTGCACCTCTTAGGCCAGGGCTACGTGAAACGGCGTGATGACCGGCCC-3'
Protein context (NP_055904.1, residues 1916-1936): AGGVACTSTD[Val1926=]LSCILHLLGQ